The following is an entry in ClinVar:

ClinVar aggregate classification (germline): Likely benign. Review status: criteria provided, single submitter (1 of 4 stars). 2 submissions from 2 submitters: Likely benign (1). 1 of the submissions does not count toward it. Last evaluated 2025-10-23.

Conditions:
COL11A1-related disorder. Also called: COL11A1-related disorders; COL11A1-related condition.

Allele frequency attached by ClinVar (database versions not stated): ExAC 0.00001; gnomAD 0.00001; gnomAD exomes 0.00001.
gnomAD v4.1: 11 of 1,613,722 alleles (0.00068%); highest among the groups gnomAD compares: Non-Finnish European, 0.00093%; no homozygotes.

Submissions (2):

Labcorp Genetics (formerly Invitae), Labcorp
Classification: Likely benign. Last evaluated: 2025-10-23. Review status: criteria provided, single submitter. Criteria: Invitae Variant Classification Sherloc (09022015). Collection method: clinical testing. Allele origin: germline.

PreventionGenetics, part of Exact Sciences
Classification: Likely benign for COL11A1-related condition. Last evaluated: 2022-08-21. Review status: no assertion criteria provided. Collection method: clinical testing. Allele origin: germline. Not counted in ClinVar's aggregate classification.
Comment: This variant is classified as likely benign based on ACMG/AMP sequence variant interpretation guidelines (Richards et al. 2015 PMID: 25741868, with internal and published modifications).

NM_001854.4(COL11A1):c.3492+9T>A

Gene: COL11A1 (collagen type XI alpha 1 chain; minus strand). Cytogenetic location: 1p21.1.
Variant type: single nucleotide variant.
Coding change: c.3492+9T>A on transcript NM_001854.4 (MANE Select); 9 bases into the intron after coding-DNA position 3492, T replaced by A.
Molecular consequence: intron variant.
Genome position (GRCh38, 1-based): chr1:102,935,051, A>T on the plus strand (T>A on the coding strand, the complement: COL11A1 is on the minus strand). VCF-style: chr1-102935051-A-T. GRCh37 (hg19) VCF-style: chr1-103400607-A-T.
Other names: c.3375+9T>A (NM_001190709.2); c.3528+9T>A (NM_080629.3); c.3144+9T>A (NM_080630.4); c.3492+9T>A (NM_001854.3).
Identifiers: ClinVar variation 2008903 (VCV002008903.6), dbSNP rs745350901, ClinGen allele CA973996.